The following is an entry in ClinVar:

NM_000199.5(SGSH):c.1A>C (p.Met1Leu)

Genes: SGSH (N-sulfoglucosamine sulfohydrolase; minus strand), LOC130061900 (ATAC-STARR-seq lymphoblastoid silent region 9102; plus strand). Cytogenetic location: 17q25.3.
Variant type: single nucleotide variant.
Coding change: c.1A>C on transcript NM_000199.5 (MANE Select); coding-DNA position 1, A replaced by C.
Protein change: p.Met1Leu; changes the start codon (methionine 1).
Molecular consequence: missense variant, initiator codon variant. On other transcripts: non-coding transcript variant (1).
Genome position (GRCh38, 1-based): chr17:80,220,313, T>G on the plus strand (A>C on the coding strand, the complement: SGSH is on the minus strand). VCF-style: chr17-80220313-T-G. GRCh37 (hg19) VCF-style: chr17-78194112-T-G.
Other names: c.1A>C, p.Met1Leu (NM_001352921.3, NM_001352922.2); short protein forms M1L.
Identifiers: ClinVar variation 694732 (VCV000694732.11), dbSNP rs1250300189, ClinGen allele CA401365710.

ClinVar aggregate classification (germline): Pathogenic. Review status: criteria provided, multiple submitters, no conflicts (2 of 4 stars). 2 submissions from 2 submitters: Pathogenic (2). Last evaluated 2021-09-16.

Conditions:
Mucopolysaccharidosis, MPS-III-A (MPS3A). Also called: MUCOPOLYSACCHARIDOSIS, TYPE IIIA, ATTENUATED; HEPARAN SULFATE SULFATASE DEFICIENCY; SANFILIPPO SYNDROME A; SULFAMIDASE DEFICIENCY; Mucopolysaccharidosis, type IIIA; MPS III A. Identifiers: Orphanet 581, Orphanet 79269, MedGen C0086647, MONDO:0009655, OMIM 252900.

Submissions (2):

Labcorp Genetics (formerly Invitae), Labcorp
Classification: Pathogenic for Mucopolysaccharidosis, MPS-III-A. Last evaluated: 2021-09-16. Review status: criteria provided, single submitter. Criteria: Invitae Variant Classification Sherloc (09022015). Collection method: clinical testing. Allele origin: germline.
Comment: For these reasons, this variant has been classified as Pathogenic. This variant disrupts a region of the SGSH protein in which other variant(s) (p.Arg74) have been determined to be pathogenic (PMID: 9285796, 9401012, 11343308, 28844463). This suggests that this is a clinically significant region of the protein, and that variants that disrupt it are likely to be disease-causing. ClinVar contains an entry for this variant (Variation ID: 694732). Disruption of the initiator codon has been observed in individual(s) with Sanfilippo syndrome A (PMID: 21204211, 21910976, 22976768). The frequency data for this variant in the population databases is considered unreliable, as metrics indicate insufficient coverage at this position in the ExAC database. This sequence change affects the initiator methionine of the SGSH mRNA. The next in-frame methionine is located at codon 88.

Diagnostics Services (NGS), CSIR - Centre For Cellular And Molecular Biology
Classification: Pathogenic for Mucopolysaccharidosis, MPS-III-A. Last evaluated: 2019-07-25. Review status: criteria provided, single submitter. Criteria: ACMG Guidelines, 2015. Collection method: clinical testing. Allele origin: germline. Inheritance: Autosomal recessive inheritance. Affected: yes. Observed: 1 homozygote.
Comment: The c.1A>C variant has not been reported as a normal variation in publicly available databases like 1000 Genomes, Exome Variant Server (EVS), Exome Aggregation Consortium (ExAC), Genome Aggregation Database (gnomAD) and dbSNP and the region was conserved. The variant is also not present in our in-house exome database. This variant is reported in another patient with Sanfilippo A disease (Heron et al. Am J Med Genet A 2011) in Human Genome Mutation Database (CM114840). The variant has been classified as pathogenic according to ACMG guidelines.

Literature cited by the submitters: PubMed 9285796 (cited by Labcorp Genetics (formerly Invitae), Labcorp); PubMed 9401012 (cited by Labcorp Genetics (formerly Invitae), Labcorp); PubMed 11343308 (cited by Labcorp Genetics (formerly Invitae), Labcorp); PubMed 28844463 (cited by Labcorp Genetics (formerly Invitae), Labcorp); PubMed 21204211 (cited by Labcorp Genetics (formerly Invitae), Labcorp); PubMed 21910976 (cited by Labcorp Genetics (formerly Invitae), Labcorp); PubMed 22976768 (cited by Labcorp Genetics (formerly Invitae), Labcorp).